The following is an entry in ClinVar:

NM_000191.3(HMGCL):c.875C>T (p.Thr292Met)

Gene: HMGCL (3-hydroxy-3-methylglutaryl-CoA lyase; minus strand). Cytogenetic location: 1p36.11.
Variant type: single nucleotide variant.
Coding change: c.875C>T on transcript NM_000191.3 (MANE Select); coding-DNA position 875, C replaced by T.
Protein change: p.Thr292Met; replaces threonine 292 with methionine.
Molecular consequence: missense variant.
Genome position (GRCh38, 1-based): chr1:23,804,401, G>A on the plus strand (C>T on the coding strand, the complement: HMGCL is on the minus strand). VCF-style: chr1-23804401-G-A. GRCh37 (hg19) VCF-style: chr1-24130891-G-A.
Other names: c.662C>T, p.Thr221Met (NM_001166059.2); short protein forms T292M, T221M.
Identifiers: ClinVar variation 1480535 (VCV001480535.3), dbSNP rs1638362250, ClinGen allele CA339020825.

ClinVar aggregate classification (germline): Uncertain significance (1 of 4 stars; one submission).

Conditions:
Deficiency of hydroxymethylglutaryl-CoA lyase (HMGCLD). Also called: HMGCL DEFICIENCY; HYDROXYMETHYLGLUTARIC ACIDURIA; Defect in leucine metabolism; 3-hydroxy-3-methylglutaric aciduria; HMG-CoA LYASE DEFICIENCY. Identifiers: Orphanet 20, MedGen C1533587, MONDO:0009520, OMIM 246450.

Allele frequency attached by ClinVar (database versions not stated): gnomAD exomes below 0.00001; TOPMed below 0.00001.
gnomAD v4.1: 5 of 1,614,140 alleles (0.00031%); highest among the groups gnomAD compares: South Asian, 0.0022%; no homozygotes.

Submission:

Labcorp Genetics (formerly Invitae), Labcorp
Classification: Uncertain significance for Deficiency of hydroxymethylglutaryl-CoA lyase. Last evaluated: 2021-11-27. Review status: criteria provided, single submitter. Criteria: Invitae Variant Classification Sherloc (09022015). Collection method: clinical testing. Allele origin: germline.
Comment: This sequence change replaces threonine, which is neutral and polar, with methionine, which is neutral and non-polar, at codon 292 of the HMGCL protein (p.Thr292Met). This variant is not present in population databases (gnomAD no frequency). This variant has not been reported in the literature in individuals affected with HMGCL-related conditions. Algorithms developed to predict the effect of missense changes on protein structure and function (SIFT, PolyPhen-2, Align-GVGD) all suggest that this variant is likely to be disruptive. In summary, the available evidence is currently insufficient to determine the role of this variant in disease. Therefore, it has been classified as a Variant of Uncertain Significance.